The following is an entry in ClinVar:

NM_000091.5(COL4A3):c.4589del (p.Pro1530fs)

Genes: COL4A3 (collagen type IV alpha 3 chain; plus strand), MFF-DT (MFF divergent transcript; minus strand). Cytogenetic location: 2q36.3.
Variant type: Deletion.
Coding change: c.4589del on transcript NM_000091.5 (MANE Select); coding-DNA position 4589, one base deleted (C; older notation c.4589delC).
Protein change: p.Pro1530fs; shifts the reading frame from proline 1530.
Molecular consequence: frameshift variant.
Genome position (GRCh38, 1-based): chr2:227,309,025, C deleted; the last of 2 consecutive C bases (chr2:227,309,024-227,309,025); deleting either gives the same sequence. VCF-style (leftmost placement, unchanged base first): chr2-227309023-GC-G. GRCh37 (hg19) VCF-style: chr2-228173739-GC-G.
Other names: short protein forms P1530fs.
Identifiers: ClinVar variation 2032072 (VCV002032072.4), dbSNP rs2469937564, ClinGen allele CA2580065910.
Genomic context (GRCh38, chr2:227,309,023, plus strand): 5'-TGTATGTAATTTTGCATCTCGAAATGATTATTCATACTGGCTGTCAACACCAGCTCTGAT[GC>G]CAATGAACATGGCTCCCATTACTGGCAGAGCCCTTGAGCCTTATATAAGCAGGTAAAAAT-3'

ClinVar aggregate classification (germline): Pathogenic (1 of 4 stars; one submission).

Submission:

Labcorp Genetics (formerly Invitae), Labcorp
Classification: Pathogenic. Last evaluated: 2022-09-23. Review status: criteria provided, single submitter. Criteria: Invitae Variant Classification Sherloc (09022015). Collection method: clinical testing. Allele origin: germline.
Comment: This sequence change creates a premature translational stop signal (p.Pro1530Glnfs*2) in the COL4A3 gene. It is expected to result in an absent or disrupted protein product. Loss-of-function variants in COL4A3 are known to be pathogenic (PMID: 8956999, 24854265, 26809805, 27281700). This variant is not present in population databases (gnomAD no frequency). This variant has not been reported in the literature in individuals affected with COL4A3-related conditions. For these reasons, this variant has been classified as Pathogenic.

Literature cited by the submitters: PubMed 8956999; PubMed 24854265; PubMed 26809805; PubMed 27281700.